The following is an entry in ClinVar:

ClinVar aggregate classification (germline): Uncertain significance (1 of 4 stars; one submission).

Conditions:
Costello syndrome (CSTLO). Also called: HRAS-Related Costello Syndrome; FACIOCUTANEOSKELETAL SYNDROME; FCS SYNDROME. Identifiers: Orphanet 3071, MedGen C0587248, MONDO:0009026, OMIM 218040.

Submission:

Labcorp Genetics (formerly Invitae), Labcorp
Classification: Uncertain significance for Costello syndrome. Last evaluated: 2022-04-21. Review status: criteria provided, single submitter. Criteria: Invitae Variant Classification Sherloc (09022015). Collection method: clinical testing. Allele origin: germline.
Comment: Advanced modeling of protein sequence and biophysical properties (such as structural, functional, and spatial information, amino acid conservation, physicochemical variation, residue mobility, and thermodynamic stability) performed at Invitae indicates that this missense variant is expected to disrupt HRAS protein function. In summary, the available evidence is currently insufficient to determine the role of this variant in disease. Therefore, it has been classified as a Variant of Uncertain Significance. This variant has not been reported in the literature in individuals affected with HRAS-related conditions. This variant is not present in population databases (gnomAD no frequency). This sequence change replaces leucine, which is neutral and non-polar, with phenylalanine, which is neutral and non-polar, at codon 159 of the HRAS protein (p.Leu159Phe).

NM_005343.4(HRAS):c.477G>T (p.Leu159Phe)

Genes: HRAS (HRas proto-oncogene, GTPase; minus strand), LRRC56 (leucine rich repeat containing 56; plus strand). Cytogenetic location: 11p15.5.
Variant type: single nucleotide variant.
Coding change: c.477G>T on transcript NM_005343.4 (MANE Select); coding-DNA position 477, G replaced by T.
Protein change: p.Leu159Phe; replaces leucine 159 with phenylalanine.
Molecular consequence: missense variant. On other transcripts: 3 prime UTR variant (1).
Genome position (GRCh38, 1-based): chr11:532,729, C>A on the plus strand (G>T on the coding strand, the complement: HRAS is on the minus strand). VCF-style: chr11-532729-C-A. GRCh37 (hg19) VCF-style: chr11-532729-C-A.
Other names: c.477G>T, p.Leu159Phe (NM_001130442.3); c.240G>T, p.Leu80Phe (NM_001318054.2); c.*46G>T (NM_176795.5); short protein forms L159F, L80F.
Identifiers: ClinVar variation 2128760 (VCV002128760.4), dbSNP rs140060409, ClinGen allele CA378921178.